The following is an entry in ClinVar:

ClinVar aggregate classification (germline): Uncertain significance (1 of 4 stars; one submission).

Conditions:
Inborn genetic diseases. Identifiers: MedGen C0950123, MeSH D030342.

Submission:

Ambry Genetics
Classification: Uncertain significance for Inborn genetic diseases. Last evaluated: 2026-08-16. Review status: criteria provided, single submitter. Criteria: Ambry Variant Classification Scheme 2023. Collection method: clinical testing. Allele origin: germline.
Comment: The p.M1028I variant (also known as c.3084G>A), located in coding exon 13 of the BMPR2 gene, results from a G to A substitution at nucleotide position 3084. The methionine at codon 1028 is replaced by isoleucine, an amino acid with highly similar properties. This amino acid position is conserved. In addition, this alteration is predicted to be tolerated by in silico analysis. Based on the available evidence, the clinical significance of this variant remains unclear.

NM_001204.7(BMPR2):c.3084G>A (p.Met1028Ile)

Gene: BMPR2 (bone morphogenetic protein receptor type 2; plus strand). Cytogenetic location: 2q33.2.
Variant type: single nucleotide variant.
Coding change: c.3084G>A on transcript NM_001204.7 (MANE Select); coding-DNA position 3084, G replaced by A.
Protein change: p.Met1028Ile; replaces methionine 1028 with isoleucine.
Molecular consequence: missense variant.
Genome position (GRCh38, 1-based): chr2:202,559,913, G>A. VCF-style: chr2-202559913-G-A. GRCh37 (hg19) VCF-style: chr2-203424636-G-A.
Other names: short protein forms M1028I.
Identifiers: ClinVar variation 5033118 (VCV005033118.1).